The following is an entry in ClinVar:

NM_000387.6(SLC25A20):c.536-1G>C

Gene: SLC25A20 (solute carrier family 25 member 20; minus strand). Cytogenetic location: 3p21.31.
Variant type: single nucleotide variant.
Coding change: c.536-1G>C on transcript NM_000387.6 (MANE Select); the canonical splice acceptor site of the intron before coding-DNA position 536, G replaced by C.
Molecular consequence: splice acceptor variant.
Genome position (GRCh38, 1-based): chr3:48,859,628, C>G on the plus strand (G>C on the coding strand, the complement: SLC25A20 is on the minus strand). VCF-style: chr3-48859628-C-G. GRCh37 (hg19) VCF-style: chr3-48897061-C-G.
Identifiers: ClinVar variation 3642483 (VCV003642483.3).
Genomic context (GRCh38, chr3:48,859,628, plus strand): 5'-GAGTGAAGATATTTTTCAGCCATTCATATGTCATGAAATACATTCCACTAGCTGGGACAT[C>G]TGTTAGTGGCAAGAAAAAGGTGAATTAAAGTACATAAACTCTTCGCCAGGCATGGTGGTA-3'

ClinVar aggregate classification (germline): Likely pathogenic (1 of 4 stars; one submission).

Conditions:
Carnitine acylcarnitine translocase deficiency (CACTD). Identifiers: Orphanet 159, MedGen C0342791, MONDO:0008918, OMIM 212138.

Submission:

Labcorp Genetics (formerly Invitae), Labcorp
Classification: Likely pathogenic for Carnitine acylcarnitine translocase deficiency. Last evaluated: 2024-02-22. Review status: criteria provided, single submitter. Criteria: Invitae Variant Classification Sherloc (09022015). Collection method: clinical testing. Allele origin: germline.
Comment: This sequence change affects an acceptor splice site in intron 5 of the SLC25A20 gene. It is expected to disrupt RNA splicing. Variants that disrupt the donor or acceptor splice site typically lead to a loss of protein function (PMID: 16199547), and loss-of-function variants in SLC25A20 are known to be pathogenic (PMID: 25614308). This variant is not present in population databases (gnomAD no frequency). This variant has not been reported in the literature in individuals affected with SLC25A20-related conditions. Algorithms developed to predict the effect of sequence changes on RNA splicing suggest that this variant may disrupt the consensus splice site. In summary, the currently available evidence indicates that the variant is pathogenic, but additional data are needed to prove that conclusively. Therefore, this variant has been classified as Likely Pathogenic.

Literature cited by the submitters: PubMed 16199547; PubMed 25614308.